The following is an entry in ClinVar:

ClinVar aggregate classification (germline): Pathogenic (1 of 4 stars; one submission).

Conditions:
Usher syndrome type 1 (USH1). Also called: RETINITIS PIGMENTOSA AND CONGENITAL DEAFNESS. Identifiers: Orphanet 231169, Orphanet 886, MedGen C1568247, MONDO:0010168, OMIM 276900.

Submission:

Myriad Genetics, Inc.
Classification: Pathogenic for Usher syndrome type 1. Last evaluated: 2023-08-11. Review status: criteria provided, single submitter. Criteria: Myriad Autosomal Dominant, Autosomal Recessive and X-Linked Classification Criteria (2023). Collection method: clinical testing. Allele origin: unknown.
Comment: NM_000260.3(MYO7A):c.4795G>T(E1599*) is expected to be pathogenic in the context of MYO7A-related disorders. This variant is predicted to lead to an abnormal or absent protein product due to the creation of a premature termination codon in MYO7A, a gene where loss-of-function variants are known to be pathogenic. Please note: this variant was assessed in the context of healthy population screening.

NM_000260.4(MYO7A):c.4795G>T (p.Glu1599Ter)

Gene: MYO7A (myosin VIIA; plus strand). Cytogenetic location: 11q13.5.
Variant type: single nucleotide variant.
Coding change: c.4795G>T on transcript NM_000260.4 (MANE Select); coding-DNA position 4795, G replaced by T.
Protein change: p.Glu1599Ter; replaces glutamic acid 1599 with a stop codon.
Molecular consequence: nonsense.
Genome position (GRCh38, 1-based): chr11:77,199,761, G>T. VCF-style: chr11-77199761-G-T. GRCh37 (hg19) VCF-style: chr11-76910806-G-T.
Other names: c.4681G>T, p.Glu1561Ter (NM_001127180.2); c.4648G>T, p.Glu1550Ter (NM_001369365.1); short protein forms E1550*, E1561*, E1599*.
Identifiers: ClinVar variation 5011325 (VCV005011325.1).
Genomic context (GRCh38, chr11:77,199,761, plus strand): 5'-GAATACACCTTCACCTCCAGCAATGCTGAGGACATTCGTGACCTGGTGGTCACCTTCCTA[G>T]AGGGGCTCCGGAAGAGATCTAAGTATGTTGTGGCCCTGCAGGATAACCCCAACCCCGGTG-3'